The following is an entry in ClinVar:

NM_001017979.3(RAB28):c.321G>T (p.Trp107Cys)

Gene: RAB28 (RAB28, member RAS oncogene family; minus strand). Cytogenetic location: 4p15.33.
Variant type: single nucleotide variant.
Coding change: c.321G>T on transcript NM_001017979.3 (MANE Select); coding-DNA position 321, G replaced by T.
Protein change: p.Trp107Cys; replaces tryptophan 107 with cysteine.
Molecular consequence: missense variant.
Genome position (GRCh38, 1-based): chr4:13,460,769, C>A on the plus strand (G>T on the coding strand, the complement: RAB28 is on the minus strand). VCF-style: chr4-13460769-C-A. GRCh37 (hg19) VCF-style: chr4-13462393-C-A.
Other names: c.321G>T, p.Trp107Cys (NM_001159601.2, NM_004249.4); short protein forms W107C.
Identifiers: ClinVar variation 1402833 (VCV001402833.8), dbSNP rs2108960158, ClinGen allele CA356373809.

ClinVar aggregate classification (germline): Uncertain significance (1 of 4 stars; one submission).

Submission:

Labcorp Genetics (formerly Invitae), Labcorp
Classification: Uncertain significance. Last evaluated: 2022-03-17. Review status: criteria provided, single submitter. Criteria: Invitae Variant Classification Sherloc (09022015). Collection method: clinical testing. Allele origin: germline.
Comment: This sequence change replaces tryptophan, which is neutral and slightly polar, with cysteine, which is neutral and slightly polar, at codon 107 of the RAB28 protein (p.Trp107Cys). This variant is not present in population databases (gnomAD no frequency). This variant has not been reported in the literature in individuals affected with RAB28-related conditions. Algorithms developed to predict the effect of missense changes on protein structure and function (SIFT, PolyPhen-2, Align-GVGD) all suggest that this variant is likely to be disruptive. In summary, the available evidence is currently insufficient to determine the role of this variant in disease. Therefore, it has been classified as a Variant of Uncertain Significance.